The following is an entry in ClinVar:

ClinVar aggregate classification (germline): Uncertain significance. Review status: criteria provided, multiple submitters, no conflicts (2 of 4 stars). 2 submissions from 2 submitters: Uncertain significance (2). Last evaluated 2023-02-14.

Conditions:
Hypertrophic cardiomyopathy 14. Identifiers: MedGen C2750467, MONDO:0013197, OMIM 613251.

Allele frequency attached by ClinVar (database versions not stated): gnomAD exomes below 0.00001.

Submissions (2):

Labcorp Genetics (formerly Invitae), Labcorp
Classification: Uncertain significance for Hypertrophic cardiomyopathy 14. Last evaluated: 2023-02-14. Review status: criteria provided, single submitter. Criteria: Invitae Variant Classification Sherloc (09022015). Collection method: clinical testing. Allele origin: germline.
Comment: This sequence change replaces glutamine, which is neutral and polar, with histidine, which is basic and polar, at codon 1372 of the MYH6 protein (p.Gln1372His). This variant is not present in population databases (gnomAD no frequency). This variant has not been reported in the literature in individuals affected with MYH6-related conditions. ClinVar contains an entry for this variant (Variation ID: 1204182). Advanced modeling of protein sequence and biophysical properties (such as structural, functional, and spatial information, amino acid conservation, physicochemical variation, residue mobility, and thermodynamic stability) performed at Invitae indicates that this missense variant is expected to disrupt MYH6 protein function. In summary, the available evidence is currently insufficient to determine the role of this variant in disease. Therefore, it has been classified as a Variant of Uncertain Significance.

GeneDx
Classification: Uncertain significance. Last evaluated: 2019-10-24. Review status: criteria provided, single submitter. Criteria: GeneDx Variant Classification Process June 2021. Collection method: clinical testing. Allele origin: germline. Affected: yes.
Comment: Not observed in large population cohorts (Lek et al., 2016); In silico analysis, which includes protein predictors and evolutionary conservation, supports a deleterious effect; Has not been previously published as pathogenic or benign to our knowledge

NM_002471.4(MYH6):c.4116G>C (p.Gln1372His)

Gene: MYH6 (myosin heavy chain 6; minus strand). Cytogenetic location: 14q11.2.
Variant type: single nucleotide variant.
Coding change: c.4116G>C on transcript NM_002471.4 (MANE Select); coding-DNA position 4116, G replaced by C.
Protein change: p.Gln1372His; replaces glutamine 1372 with histidine.
Molecular consequence: missense variant.
Genome position (GRCh38, 1-based): chr14:23,388,918, C>G on the plus strand (G>C on the coding strand, the complement: MYH6 is on the minus strand). VCF-style: chr14-23388918-C-G. GRCh37 (hg19) VCF-style: chr14-23858127-C-G.
Other names: short protein forms Q1372H.
Identifiers: ClinVar variation 1204182 (VCV001204182.6), dbSNP rs1891132382, ClinGen allele CA389001767.